The following is an entry in ClinVar:

NM_020401.4(NUP107):c.1942A>C (p.Asn648His)

Gene: NUP107 (nucleoporin 107; plus strand). Cytogenetic location: 12q15.
Variant type: single nucleotide variant.
Coding change: c.1942A>C on transcript NM_020401.4 (MANE Select); coding-DNA position 1942, A replaced by C.
Protein change: p.Asn648His; replaces asparagine 648 with histidine.
Molecular consequence: missense variant.
Genome position (GRCh38, 1-based): chr12:68,731,663, A>C. VCF-style: chr12-68731663-A-C. GRCh37 (hg19) VCF-style: chr12-69125443-A-C.
Other names: c.1855A>C, p.Asn619His (NM_001330192.2); short protein forms N619H, N648H.
Identifiers: ClinVar variation 2074328 (VCV002074328.5), dbSNP rs148828644, ClinGen allele CA6677972.

ClinVar aggregate classification (germline): Uncertain significance. Review status: criteria provided, multiple submitters, no conflicts (2 of 4 stars). 2 submissions from 2 submitters: Uncertain significance (2). Last evaluated 2025-08-21.

Allele frequency attached by ClinVar (database versions not stated): gnomAD exomes 0.00004; TOPMed 0.00005; gnomAD 0.00007; ExAC 0.00008; ESP Exome Variant Server 0.00008.
gnomAD v4.1: 72 of 1,588,668 alleles (0.0045%); highest among the groups gnomAD compares: Non-Finnish European, 0.0058%; no homozygotes.

Submissions (2):

Labcorp Genetics (formerly Invitae), Labcorp
Classification: Uncertain significance. Last evaluated: 2025-08-21. Review status: criteria provided, single submitter. Criteria: Invitae Variant Classification Sherloc (09022015). Collection method: clinical testing. Allele origin: germline.
Comment: This sequence change replaces asparagine, which is neutral and polar, with histidine, which is basic and polar, at codon 648 of the NUP107 protein (p.Asn648His). This variant is present in population databases (rs148828644, gnomAD 0.01%). This missense change has been observed in individual(s) with Galloway-Mowat syndrome (PMID: 34946966). ClinVar contains an entry for this variant (Variation ID: 2074328). Invitae Evidence Modeling of protein sequence and biophysical properties (such as structural, functional, and spatial information, amino acid conservation, physicochemical variation, residue mobility, and thermodynamic stability) indicates that this missense variant is not expected to disrupt NUP107 protein function with a negative predictive value of 80%. In summary, the available evidence is currently insufficient to determine the role of this variant in disease. Therefore, it has been classified as a Variant of Uncertain Significance.

Blueprint Genetics
Classification: Uncertain significance. Last evaluated: 2024-10-29. Review status: criteria provided, single submitter. Criteria: ACMG Guidelines, 2015. Collection method: clinical testing. Allele origin: germline.

Literature cited by the submitters: PubMed 34946966 (cited by Labcorp Genetics (formerly Invitae), Labcorp).